The following is an entry in ClinVar:

NM_000440.3(PDE6A):c.1981A>T (p.Met661Leu)

Gene: PDE6A (phosphodiesterase 6A; minus strand). Cytogenetic location: 5q32.
Variant type: single nucleotide variant.
Coding change: c.1981A>T on transcript NM_000440.3 (MANE Select); coding-DNA position 1981, A replaced by T.
Protein change: p.Met661Leu; replaces methionine 661 with leucine.
Molecular consequence: missense variant.
Genome position (GRCh38, 1-based): chr5:149,884,525, T>A on the plus strand (A>T on the coding strand, the complement: PDE6A is on the minus strand). VCF-style: chr5-149884525-T-A. GRCh37 (hg19) VCF-style: chr5-149264088-T-A.
Other names: short protein forms M661L.
Identifiers: ClinVar variation 1483151 (VCV001483151.8), dbSNP rs146354942, ClinGen allele CA3504446.

ClinVar aggregate classification (germline): Uncertain significance (1 of 4 stars; one submission).

Allele frequency attached by ClinVar (database versions not stated): gnomAD exomes below 0.00001; TOPMed below 0.00001; ExAC 0.00002; ESP Exome Variant Server 0.00008.
gnomAD v4.1: 6 of 1,613,892 alleles (0.00037%); highest among the groups gnomAD compares: Middle Eastern, 0.049%; no homozygotes.

Submission:

Labcorp Genetics (formerly Invitae), Labcorp
Classification: Uncertain significance. Last evaluated: 2021-06-24. Review status: criteria provided, single submitter. Criteria: Invitae Variant Classification Sherloc (09022015). Collection method: clinical testing. Allele origin: germline.
Comment: In summary, the available evidence is currently insufficient to determine the role of this variant in disease. Therefore, it has been classified as a Variant of Uncertain Significance. Algorithms developed to predict the effect of missense changes on protein structure and function (SIFT, PolyPhen-2, Align-GVGD) all suggest that this variant is likely to be tolerated. This variant has not been reported in the literature in individuals affected with PDE6A-related conditions. This variant is present in population databases (rs146354942, ExAC 0.003%). This sequence change replaces methionine with leucine at codon 661 of the PDE6A protein (p.Met661Leu). The methionine residue is highly conserved and there is a small physicochemical difference between methionine and leucine.